The following is an entry in ClinVar:

ClinVar aggregate classification (germline): Uncertain significance (1 of 4 stars; one submission).

Conditions:
Fanconi anemia (FA). Also called: Fanconi's anemia. Identifiers: Orphanet 84, MedGen C0015625, MeSH D005199, MONDO:0019391.

Submission:

Labcorp Genetics (formerly Invitae), Labcorp
Classification: Uncertain significance for Fanconi anemia. Last evaluated: 2022-03-23. Review status: criteria provided, single submitter. Criteria: Invitae Variant Classification Sherloc (09022015). Collection method: clinical testing. Allele origin: germline.
Comment: This variant is not present in population databases (gnomAD no frequency). In summary, the available evidence is currently insufficient to determine the role of this variant in disease. Therefore, it has been classified as a Variant of Uncertain Significance. Algorithms developed to predict the effect of sequence changes on RNA splicing suggest that this variant may disrupt the consensus splice site. Algorithms developed to predict the effect of missense changes on protein structure and function are either unavailable or do not agree on the potential impact of this missense change (SIFT: "Deleterious"; PolyPhen-2: "Benign"; Align-GVGD: "Class C65"). This variant has not been reported in the literature in individuals affected with FANCA-related conditions. This sequence change replaces isoleucine, which is neutral and non-polar, with lysine, which is basic and polar, at codon 1396 of the FANCA protein (p.Ile1396Lys).

NM_000135.4(FANCA):c.4187T>A (p.Ile1396Lys)

Genes: FANCA (FA complementation group A; minus strand), ZNF276 (zinc finger protein 276; plus strand). Cytogenetic location: 16q24.3.
Variant type: single nucleotide variant.
Coding change: c.4187T>A on transcript NM_000135.4 (MANE Select); coding-DNA position 4187, T replaced by A.
Protein change: p.Ile1396Lys; replaces isoleucine 1396 with lysine.
Molecular consequence: missense variant. On other transcripts: 3 prime UTR variant (2), non-coding transcript variant (4).
Genome position (GRCh38, 1-based): chr16:89,738,955, A>T on the plus strand (T>A on the coding strand, the complement: FANCA is on the minus strand). VCF-style: chr16-89738955-A-T. GRCh37 (hg19) VCF-style: chr16-89805363-A-T.
Other names: c.4191T>A, p.Asp1397Glu (NM_001286167.3); c.*709A>T (NM_001113525.2, NM_152287.4); short protein forms I1396K, D1397E.
Identifiers: ClinVar variation 2116378 (VCV002116378.4), dbSNP rs1182067132, ClinGen allele CA397483698.